The following is an entry in ClinVar:

NM_001377304.1(GFI1B):c.773A>G (p.His258Arg)

Gene: GFI1B (growth factor independent 1B transcriptional repressor; plus strand). Cytogenetic location: 9q34.13.
Variant type: single nucleotide variant.
Coding change: c.773A>G on transcript NM_001377304.1 (MANE Select); coding-DNA position 773, A replaced by G.
Protein change: p.His258Arg; replaces histidine 258 with arginine.
Molecular consequence: missense variant.
Genome position (GRCh38, 1-based): chr9:132,989,866, A>G. VCF-style: chr9-132989866-A-G. GRCh37 (hg19) VCF-style: chr9-135865253-A-G.
Other names: c.635A>G, p.His212Arg (NM_001135031.2, NM_001377305.1); c.839A>G, p.His280Arg (NM_001371908.1); c.773A>G, p.His258Arg (NM_004188.8); short protein forms H212R, H258R, H280R.
Identifiers: ClinVar variation 3347570 (VCV003347570.3).
Genomic context (GRCh38, chr9:132,989,866, plus strand): 5'-ACCTGCTCATCCACTCAGACACGCGGCCCTACCCCTGCCAGTTCTGCGGCAAGCGTTTCC[A>G]CCAGAAGTCCGACATGAAGAAGCACACCTACATCCACACAGGTGAGTGAGTCTCACCTGC-3'
Protein context (NP_001364233.1, residues 248-268): YPCQFCGKRF[His258Arg]QKSDMKKHTY

ClinVar aggregate classification (germline): Uncertain significance. Review status: criteria provided, multiple submitters, no conflicts (2 of 4 stars). 2 submissions from 2 submitters: Uncertain significance (2). Last evaluated 2026-05-19.

Conditions:
GFI1B-related disorder. Also called: GFI1B-related condition.

Submissions (2):

PreventionGenetics, part of Exact Sciences
Classification: Uncertain significance for GFI1B-related condition. Last evaluated: 2026-05-19. Review status: criteria provided, single submitter. Criteria: ACMG Guidelines, 2015. Collection method: clinical testing. Allele origin: germline.
Comment: The GFI1B c.773A>G variant is predicted to result in the amino acid substitution p.His258Arg. To our knowledge, this variant has not been reported in the literature or in a large population database, indicating this variant is rare. At this time, the clinical significance of this variant is uncertain due to the absence of conclusive functional and genetic evidence.

GeneDx
Classification: Uncertain significance. Last evaluated: 2024-01-25. Review status: criteria provided, single submitter. Criteria: GeneDx Variant Classification Process June 2021. Collection method: clinical testing. Allele origin: germline. Affected: yes.
Comment: Not observed at significant frequency in large population cohorts (gnomAD); In silico analysis supports that this missense variant has a deleterious effect on protein structure/function; Has not been previously published as pathogenic or benign to our knowledge